The following is an entry in ClinVar:

ClinVar aggregate classification (germline): Uncertain significance (1 of 4 stars; one submission).

Allele frequency attached by ClinVar (database versions not stated): gnomAD exomes below 0.00001 and 0.00002; TOPMed 0.00002; gnomAD 0.00003 and 0.00004.
gnomAD v4.1: 14 of 1,613,396 alleles (0.00087%); highest among the groups gnomAD compares: Admixed American, 0.0067%; no homozygotes.

Submission:

Labcorp Genetics (formerly Invitae), Labcorp
Classification: Uncertain significance. Last evaluated: 2025-12-17. Review status: criteria provided, single submitter. Criteria: Invitae Variant Classification Sherloc (09022015). Collection method: clinical testing. Allele origin: germline.
Comment: This sequence change replaces aspartic acid, which is acidic and polar, with asparagine, which is neutral and polar, at codon 307 of the PDE6B protein (p.Asp307Asn). This variant is present in population databases (rs113666063, gnomAD 0.008%). This variant has not been reported in the literature in individuals affected with PDE6B-related conditions. ClinVar contains an entry for this variant (Variation ID: 1362182). Invitae Evidence Modeling of protein sequence and biophysical properties (such as structural, functional, and spatial information, amino acid conservation, physicochemical variation, residue mobility, and thermodynamic stability) has been performed for this missense variant. However, the output from this modeling did not meet the statistical confidence thresholds required to predict the impact of this variant on PDE6B protein function. In summary, the available evidence is currently insufficient to determine the role of this variant in disease. Therefore, it has been classified as a Variant of Uncertain Significance.

NM_000283.4(PDE6B):c.919G>A (p.Asp307Asn)

Genes: PDE6B-AS1 (PDE6B antisense RNA 1; minus strand), PDE6B (phosphodiesterase 6B; plus strand). Cytogenetic location: 4p16.3.
Variant type: single nucleotide variant.
Coding change: c.919G>A on transcript NM_000283.4 (MANE Select); coding-DNA position 919, G replaced by A.
Protein change: p.Asp307Asn; replaces aspartic acid 307 with asparagine.
Molecular consequence: missense variant. On other transcripts: 5 prime UTR variant (1).
Genome position (GRCh38, 1-based): chr4:654,146, G>A. VCF-style: chr4-654146-G-A. GRCh37 (hg19) VCF-style: chr4-647935-G-A.
Other names: c.919G>A, p.Asp307Asn (NM_001145291.2); c.82G>A, p.Asp28Asn (NM_001145292.2, NM_001350154.3, NM_001379246.1 and 1 more transcripts); c.-122G>A (NM_001350155.3); short protein forms D28N, D307N.
Identifiers: ClinVar variation 1362182 (VCV001362182.8), dbSNP rs113666063, ClinGen allele CA91078103.